The following is an entry in ClinVar:

NM_213720.3(CHCHD10):c.106C>T (p.Pro36Ser)

Gene: CHCHD10 (coiled-coil-helix-coiled-coil-helix domain containing 10; minus strand). Cytogenetic location: 22q11.23.
Variant type: single nucleotide variant.
Coding change: c.106C>T on transcript NM_213720.3 (MANE Select); coding-DNA position 106, C replaced by T.
Protein change: p.Pro36Ser; replaces proline 36 with serine.
Molecular consequence: missense variant. On other transcripts: non-coding transcript variant (1).
Genome position (GRCh38, 1-based): chr22:23,767,529, G>A on the plus strand (C>T on the coding strand, the complement: CHCHD10 is on the minus strand). VCF-style: chr22-23767529-G-A. GRCh37 (hg19) VCF-style: chr22-24109716-G-A.
Other names: c.106C>T (NM_213720.2); c.106C>T, p.Pro36Ser (NM_001301339.2); short protein forms P36S.
Identifiers: ClinVar variation 1506273 (VCV001506273.6), dbSNP rs1259379217, ClinGen allele CA410916715.

ClinVar aggregate classification (germline): Uncertain significance. Review status: criteria provided, multiple submitters, no conflicts (2 of 4 stars). 2 submissions from 2 submitters: Uncertain significance (2). Last evaluated 2023-09-18.

Conditions:
CHCHD10-related disorder. Also called: CHCHD10-related condition; CHCHD10-Related Disorders. Identifiers: MedGen CN381526.
Lower motor neuron syndrome with late-adult onset (SMAJ). Also called: Spinal muscular atrophy, Jokela type; Late-Onset Spinal Motor Neuronopathy (SMAJ). Identifiers: Orphanet 276435, MedGen C3554398, MONDO:0014025, OMIM 615048.
Frontotemporal dementia and/or amyotrophic lateral sclerosis 2. Also called: FTDALS2. Identifiers: Orphanet 275872, MedGen C4014648, MONDO:0014395, OMIM 615911.
Autosomal dominant mitochondrial myopathy with exercise intolerance (IMMD). Also called: Myopathy, isolated mitochondrial, autosomal dominant. Identifiers: Orphanet 457050, MedGen C4015513, MONDO:0014532, OMIM 616209.

Allele frequency attached by ClinVar (database versions not stated): gnomAD exomes 0.00001; gnomAD 0.00001; TOPMed below 0.00001.

Submissions (2):

Labcorp Genetics (formerly Invitae), Labcorp
Classification: Uncertain significance for Lower motor neuron syndrome with late-adult onset; Frontotemporal dementia and/or amyotrophic lateral sclerosis 2; Autosomal dominant mitochondrial myopathy with exercise intolerance. Last evaluated: 2023-09-18. Review status: criteria provided, single submitter. Criteria: Invitae Variant Classification Sherloc (09022015). Collection method: clinical testing. Allele origin: germline.
Comment: In summary, the available evidence is currently insufficient to determine the role of this variant in disease. Therefore, it has been classified as a Variant of Uncertain Significance. Experimental studies and prediction algorithms are not available or were not evaluated, and the functional significance of this variant is currently unknown. ClinVar contains an entry for this variant (Variation ID: 1506273). This variant has not been reported in the literature in individuals affected with CHCHD10-related conditions. This variant is not present in population databases (gnomAD no frequency). This sequence change replaces proline, which is neutral and non-polar, with serine, which is neutral and polar, at codon 36 of the CHCHD10 protein (p.Pro36Ser).

PreventionGenetics, part of Exact Sciences
Classification: Uncertain significance for CHCHD10-related condition. Last evaluated: 2023-06-20. Review status: criteria provided, single submitter. Criteria: ACMG Guidelines, 2015. Collection method: clinical testing. Allele origin: germline.
Comment: The CHCHD10 c.106C>T variant is predicted to result in the amino acid substitution p.Pro36Ser. To our knowledge, this variant has not been reported in the literature or in a large population database, indicating this variant is rare. At this time, the clinical significance of this variant is uncertain due to the absence of conclusive functional and genetic evidence.